The following is an entry in ClinVar:

ClinVar aggregate classification (germline): Uncertain significance (1 of 4 stars; one submission).

Conditions:
Prieto syndrome. Also called: MENTAL RETARDATION, X-LINKED, SYNDROMIC 2. Identifiers: Orphanet 2958, MedGen C1839730, MONDO:0010667, OMIM 309610.

Submission:

3billion
Classification: Uncertain significance for Prieto syndrome. Last evaluated: 2025-10-23. Review status: criteria provided, single submitter. Criteria: ACMG Guidelines, 2015. Collection method: clinical testing. Allele origin: germline. Affected: yes.
Comment: The variant is not observed in the gnomAD v4.1.0 dataset. Predicted Consequence/Location: Synonymous variant In silico tools predict the variant to alter splicing and produce an abnormal transcript [SpliceAI: 0.10 (spliceogenicity >=0.2, non-spliceogenicity <0.1)]. Therefore, this variant is classified as VUS according to the recommendation of ACMG/AMP guideline.

NM_020922.5(WNK3):c.3681G>T (p.Gly1227=)

Gene: WNK3 (WNK lysine deficient protein kinase 3; minus strand). Cytogenetic location: Xp11.22.
Variant type: single nucleotide variant.
Coding change: c.3681G>T on transcript NM_020922.5 (MANE Select); coding-DNA position 3681, G replaced by T.
Protein change: p.Gly1227=; no amino-acid change (glycine 1227 retained).
Molecular consequence: synonymous variant.
Genome position (GRCh38, 1-based): chrX:54,239,070, C>A on the plus strand (G>T on the coding strand, the complement: WNK3 is on the minus strand). VCF-style: chrX-54239070-C-A. GRCh37 (hg19) VCF-style: chrX-54265503-C-A.
Other names: c.3681G>T, p.Gly1227= (NM_001002838.4, NM_001395166.1).
Identifiers: ClinVar variation 4854299 (VCV004854299.1).